The following is an entry in ClinVar:

ClinVar aggregate classification (germline): Uncertain significance (1 of 4 stars; one submission).

Allele frequency attached by ClinVar (database versions not stated): TOPMed below 0.00001.

Submission:

Labcorp Genetics (formerly Invitae), Labcorp
Classification: Uncertain significance. Last evaluated: 2023-03-17. Review status: criteria provided, single submitter. Criteria: Invitae Variant Classification Sherloc (09022015). Collection method: clinical testing. Allele origin: germline.
Comment: In summary, the available evidence is currently insufficient to determine the role of this variant in disease. Therefore, it has been classified as a Variant of Uncertain Significance. Advanced modeling of protein sequence and biophysical properties (such as structural, functional, and spatial information, amino acid conservation, physicochemical variation, residue mobility, and thermodynamic stability) performed at Invitae indicates that this missense variant is not expected to disrupt GANAB protein function. ClinVar contains an entry for this variant (Variation ID: 1981314). This variant has not been reported in the literature in individuals affected with GANAB-related conditions. This variant is not present in population databases (gnomAD no frequency). This sequence change replaces threonine, which is neutral and polar, with alanine, which is neutral and non-polar, at codon 703 of the GANAB protein (p.Thr703Ala).

NM_198334.3(GANAB):c.2041A>G (p.Thr681Ala)

Gene: GANAB (glucosidase II alpha subunit; minus strand). Cytogenetic location: 11q12.3.
Variant type: single nucleotide variant.
Coding change: c.2041A>G on transcript NM_198334.3 (MANE Select); coding-DNA position 2041, A replaced by G.
Protein change: p.Thr681Ala; replaces threonine 681 with alanine.
Molecular consequence: missense variant.
Genome position (GRCh38, 1-based): chr11:62,628,908, T>C on the plus strand (A>G on the coding strand, the complement: GANAB is on the minus strand). VCF-style: chr11-62628908-T-C. GRCh37 (hg19) VCF-style: chr11-62396380-T-C.
Other names: c.1765A>G, p.Thr589Ala (NM_001278192.2); c.1699A>G, p.Thr567Ala (NM_001278193.2); c.1750A>G, p.Thr584Ala (NM_001278194.2, NM_001329222.2, NM_001329223.2); c.1318A>G, p.Thr440Ala (NM_001329224.2, NM_001329225.2); c.2107A>G, p.Thr703Ala (NM_198335.4); short protein forms T584A, T681A, T567A, T589A, T440A, T703A.
Identifiers: ClinVar variation 1981314 (VCV001981314.4), dbSNP rs1943530071, ClinGen allele CA380990818.